The following is an entry in ClinVar:

ClinVar aggregate classification (germline): Likely benign. Review status: criteria provided, multiple submitters, no conflicts (2 of 4 stars). 2 submissions from 2 submitters: Likely benign (2). Last evaluated 2024-07-04.

Allele frequency attached by ClinVar (database versions not stated): gnomAD exomes below 0.00001 and 0.00001; ExAC 0.00001; gnomAD 0.00001 and 0.00002; TOPMed 0.00002.

Submissions (2):

Labcorp Genetics (formerly Invitae), Labcorp
Classification: Likely benign. Last evaluated: 2024-07-04. Review status: criteria provided, single submitter. Criteria: Invitae Variant Classification Sherloc (09022015). Collection method: clinical testing. Allele origin: germline.

GeneDx
Classification: Likely benign. Last evaluated: 2016-04-01. Review status: criteria provided, single submitter. Criteria: GeneDx Variant Classification (06012015). Collection method: clinical testing. Allele origin: germline. Affected: yes.
Comment: This variant is considered likely benign or benign based on one or more of the following criteria: it is a conservative change, it occurs at a poorly conserved position in the protein, it is predicted to be benign by multiple in silico algorithms, and/or has population frequency not consistent with disease.

NM_004092.4(ECHS1):c.666C>T (p.Ala222=)

Gene: ECHS1 (enoyl-CoA hydratase, short chain 1; minus strand). Cytogenetic location: 10q26.3.
Variant type: single nucleotide variant.
Coding change: c.666C>T on transcript NM_004092.4 (MANE Select); coding-DNA position 666, C replaced by T.
Protein change: p.Ala222=; no amino-acid change (alanine 222 retained).
Molecular consequence: synonymous variant.
Genome position (GRCh38, 1-based): chr10:133,366,049, G>A on the plus strand (C>T on the coding strand, the complement: ECHS1 is on the minus strand). VCF-style: chr10-133366049-G-A. GRCh37 (hg19) VCF-style: chr10-135179553-G-A.
Identifiers: ClinVar variation 384258 (VCV000384258.3), dbSNP rs775160487, ClinGen allele CA5765685.
Genomic context (GRCh38, chr10:133,366,049, plus strand): 5'-TTCTTTGGCCATCGCTACTACAATTTTAGAATTGCTGGCAATTTTTTCTGCACACTGGAT[G>A]GCTTCTTCCACCAGTGTCTCAACAGGACAAATCTTGCTGACAAGACCTGAAACACAAGAA-3'
Protein context (NP_004083.3, residues 212-232): ICPVETLVEE[Ala222=]IQCAEKIASN